The following is an entry in ClinVar:

ClinVar aggregate classification (germline): Conflicting classifications of pathogenicity. Review status: criteria provided, conflicting classifications (1 of 4 stars). 3 submissions from 3 submitters: Uncertain significance (1); Likely benign (2). Last evaluated 2025-05-19.

Conditions:
Hereditary cancer-predisposing syndrome. Also called: Neoplastic Syndromes, Hereditary; Hereditary Cancer Syndrome; Hereditary neoplastic syndrome; Tumor predisposition. Identifiers: Orphanet 140162, MedGen C0027672, MeSH D009386, MONDO:0015356.
Familial cancer of breast. Also called: hereditary breast carcinoma; BREAST CANCER, FAMILIAL; Hereditary breast cancer. Identifiers: Orphanet 227535, MedGen C0346153, MONDO:0016419, OMIM 114480. Disease mechanism: loss of function.
Ataxia-telangiectasia syndrome (AT). Also called: LOUIS-BAR SYNDROME; Ataxia-telangiectasia, complementation group E; Ataxia-telangiectasia, complementation group D; AT, COMPLEMENTATION GROUP C; Ataxia telangiectasia (A-T); Cerebello-oculocutaneous telangiectasia. Identifiers: Orphanet 100, MedGen C0004135, MONDO:0008840, OMIM 208900.

Allele frequency attached by ClinVar (database versions not stated): gnomAD exomes below 0.00001.
gnomAD v4.1: 1 of 1,612,970 alleles (0.000062%); highest among the groups gnomAD compares: East Asian, 0.0022%; no homozygotes.

Submissions (3):

Labcorp Genetics (formerly Invitae), Labcorp
Classification: Likely benign for Ataxia-telangiectasia syndrome. Last evaluated: 2025-05-19. Review status: criteria provided, single submitter. Criteria: Invitae Variant Classification Sherloc (09022015). Collection method: clinical testing. Allele origin: germline.

Ambry Genetics
Classification: Uncertain significance for Hereditary cancer-predisposing syndrome. Last evaluated: 2024-12-24. Review status: criteria provided, single submitter. Criteria: Ambry Variant Classification Scheme 2023. Collection method: clinical testing. Allele origin: germline.
Comment: The c.72+4G>A intronic variant results from a G to A substitution 4 nucleotides after coding exon 1 in the ATM gene. This nucleotide position is not well conserved in available vertebrate species. In silico splice site analysis predicts that this alteration will not have any significant effect on splicing. Based on the available evidence, the clinical significance of this variant remains unclear.

Myriad Genetics, Inc.
Classification: Likely benign for Familial cancer of breast. Last evaluated: 2024-04-17. Review status: criteria provided, single submitter. Criteria: Myriad Autosomal Dominant, Autosomal Recessive and X-Linked Classification Criteria (2023). Collection method: clinical testing. Allele origin: unknown.
Comment: This variant is considered likely benign. This variant is intronic and is not expected to impact mRNA splicing.

NM_000051.4(ATM):c.72+4G>A

Gene: ATM (ATM serine/threonine kinase; plus strand). Cytogenetic location: 11q22.3.
Variant type: single nucleotide variant.
Coding change: c.72+4G>A on transcript NM_000051.4 (MANE Select); 4 bases into the intron after coding-DNA position 72, G replaced by A.
Molecular consequence: intron variant.
Genome position (GRCh38, 1-based): chr11:108,227,700, G>A. VCF-style: chr11-108227700-G-A. GRCh37 (hg19) VCF-style: chr11-108098427-G-A.
Other names: c.72+4G>A (NM_001351834.2, NM_001351835.2, NM_001351836.2).
Identifiers: ClinVar variation 640705 (VCV000640705.10), dbSNP rs1458884973, ClinGen allele CA601693770.